The following is an entry in ClinVar:

NM_015559.3(SETBP1):c.4540C>T (p.His1514Tyr)

Gene: SETBP1 (SET binding protein 1; plus strand). Cytogenetic location: 18q12.3.
Variant type: single nucleotide variant.
Coding change: c.4540C>T on transcript NM_015559.3 (MANE Select); coding-DNA position 4540, C replaced by T.
Protein change: p.His1514Tyr; replaces histidine 1514 with tyrosine.
Molecular consequence: missense variant.
Genome position (GRCh38, 1-based): chr18:45,063,447, C>T. VCF-style: chr18-45063447-C-T. GRCh37 (hg19) VCF-style: chr18-42643412-C-T.
Other names: c.4540C>T, p.His1514Tyr (NM_001379141.1, NM_001379142.1); c.4369C>T, p.His1457Tyr (NM_001410862.1); short protein forms H1457Y, H1514Y.
Identifiers: ClinVar variation 1999708 (VCV001999708.4), dbSNP rs1051674190, ClinGen allele CA299946163.

ClinVar aggregate classification (germline): Uncertain significance (1 of 4 stars; one submission).

Allele frequency attached by ClinVar (database versions not stated): gnomAD 0.00001; gnomAD exomes 0.00001; TOPMed 0.00001.
gnomAD v4.1: 6 of 1,492,644 alleles (0.0004%); highest among the groups gnomAD compares: Non-Finnish European, 0.00036%; no homozygotes.

Submission:

Labcorp Genetics (formerly Invitae), Labcorp
Classification: Uncertain significance. Last evaluated: 2023-12-09. Review status: criteria provided, single submitter. Criteria: Invitae Variant Classification Sherloc (09022015). Collection method: clinical testing. Allele origin: germline.
Comment: This sequence change replaces histidine, which is basic and polar, with tyrosine, which is neutral and polar, at codon 1514 of the SETBP1 protein (p.His1514Tyr). This variant is not present in population databases (gnomAD no frequency). This variant has not been reported in the literature in individuals affected with SETBP1-related conditions. ClinVar contains an entry for this variant (Variation ID: 1999708). Advanced modeling of protein sequence and biophysical properties (such as structural, functional, and spatial information, amino acid conservation, physicochemical variation, residue mobility, and thermodynamic stability) has been performed at Invitae for this missense variant, however the output from this modeling did not meet the statistical confidence thresholds required to predict the impact of this variant on SETBP1 protein function. In summary, the available evidence is currently insufficient to determine the role of this variant in disease. Therefore, it has been classified as a Variant of Uncertain Significance.